The following is an entry in ClinVar:

NM_032608.7(MYO18B):c.5423A>C (p.His1808Pro)

Gene: MYO18B (myosin XVIIIB; plus strand). Cytogenetic location: 22q12.1.
Variant type: single nucleotide variant.
Coding change: c.5423A>C on transcript NM_032608.7 (MANE Select); coding-DNA position 5423, A replaced by C.
Protein change: p.His1808Pro; replaces histidine 1808 with proline.
Molecular consequence: missense variant.
Genome position (GRCh38, 1-based): chr22:25,921,315, A>C. VCF-style: chr22-25921315-A-C. GRCh37 (hg19) VCF-style: chr22-26317282-A-C.
Other names: c.5426A>C, p.His1809Pro (NM_001318245.2); short protein forms H1808P, H1809P.
Identifiers: ClinVar variation 1899950 (VCV001899950.3), dbSNP rs780085563, ClinGen allele CA10161158.

ClinVar aggregate classification (germline): Uncertain significance (1 of 4 stars; one submission).

Allele frequency attached by ClinVar (database versions not stated): ExAC 0.00004.
gnomAD v4.1: 6 of 1,567,448 alleles (0.00038%); highest among the groups gnomAD compares: Admixed American, 0.0057%; no homozygotes.

Submission:

Labcorp Genetics (formerly Invitae), Labcorp
Classification: Uncertain significance. Last evaluated: 2025-02-10. Review status: criteria provided, single submitter. Criteria: Invitae Variant Classification Sherloc (09022015). Collection method: clinical testing. Allele origin: germline.
Comment: This sequence change replaces histidine, which is basic and polar, with proline, which is neutral and non-polar, at codon 1808 of the MYO18B protein (p.His1808Pro). This variant is present in population databases (rs780085563, gnomAD 0.008%). This variant has not been reported in the literature in individuals affected with MYO18B-related conditions. ClinVar contains an entry for this variant (Variation ID: 1899950). An algorithm developed to predict the effect of missense changes on protein structure and function (PolyPhen-2) suggests that this variant is likely to be disruptive. In summary, the available evidence is currently insufficient to determine the role of this variant in disease. Therefore, it has been classified as a Variant of Uncertain Significance.